The following is an entry in ClinVar:

NM_001350451.2(RBFOX3):c.217G>A (p.Val73Met)

Gene: RBFOX3 (RNA binding fox-1 homolog 3; minus strand). Cytogenetic location: 17q25.3.
Variant type: single nucleotide variant.
Coding change: c.217G>A on transcript NM_001350451.2 (MANE Select); coding-DNA position 217, G replaced by A.
Protein change: p.Val73Met; replaces valine 73 with methionine.
Molecular consequence: missense variant.
Genome position (GRCh38, 1-based): chr17:79,115,499, C>T on the plus strand (G>A on the coding strand, the complement: RBFOX3 is on the minus strand). VCF-style: chr17-79115499-C-T. GRCh37 (hg19) VCF-style: chr17-77111581-C-T.
Other names: c.217G>A, p.Val73Met (NM_001385843.1, NM_001385844.1, NM_001385847.1 and 43 more transcripts); short protein forms V73M.
Identifiers: ClinVar variation 1931607 (VCV001931607.5), dbSNP rs2510554490, ClinGen allele CA401317842.

ClinVar aggregate classification (germline): Uncertain significance (1 of 4 stars; one submission).

Conditions:
Idiopathic generalized epilepsy. Also called: Generalised epilepsy; EIG. Identifiers: MedGen C0270850, MONDO:0005579, OMIM 600669.

Submission:

Labcorp Genetics (formerly Invitae), Labcorp
Classification: Uncertain significance for Idiopathic generalized epilepsy. Last evaluated: 2022-09-24. Review status: criteria provided, single submitter. Criteria: Invitae Variant Classification Sherloc (09022015). Collection method: clinical testing. Allele origin: germline.
Comment: This sequence change replaces valine, which is neutral and non-polar, with methionine, which is neutral and non-polar, at codon 73 of the RBFOX3 protein (p.Val73Met). This variant is not present in population databases (gnomAD no frequency). This variant has not been reported in the literature in individuals affected with RBFOX3-related conditions. Advanced modeling of protein sequence and biophysical properties (such as structural, functional, and spatial information, amino acid conservation, physicochemical variation, residue mobility, and thermodynamic stability) performed at Invitae indicates that this missense variant is not expected to disrupt RBFOX3 protein function. In summary, the available evidence is currently insufficient to determine the role of this variant in disease. Therefore, it has been classified as a Variant of Uncertain Significance.